The following is an entry in ClinVar:

NM_005918.4(MDH2):c.733+3A>T

Gene: MDH2 (malate dehydrogenase 2; plus strand). Cytogenetic location: 7q11.23.
Variant type: single nucleotide variant.
Coding change: c.733+3A>T on transcript NM_005918.4 (MANE Select); 3 bases into the intron after coding-DNA position 733, A replaced by T.
Molecular consequence: intron variant.
Genome position (GRCh38, 1-based): chr7:76,064,441, A>T. VCF-style: chr7-76064441-A-T. GRCh37 (hg19) VCF-style: chr7-75693759-A-T.
Other names: c.607+3A>T (NM_001282403.2); c.412+3A>T (NM_001282404.2).
Identifiers: ClinVar variation 1410856 (VCV001410856.6), dbSNP rs782068450, ClinGen allele CA4305665.

ClinVar aggregate classification (germline): Uncertain significance (1 of 4 stars; one submission).

Allele frequency attached by ClinVar (database versions not stated): gnomAD exomes 0.00003; ExAC 0.00004.
gnomAD v4.1: 20 of 1,610,774 alleles (0.0012%); highest among the groups gnomAD compares: South Asian, 0.021%; no homozygotes.

Submission:

Labcorp Genetics (formerly Invitae), Labcorp
Classification: Uncertain significance. Last evaluated: 2024-12-02. Review status: criteria provided, single submitter. Criteria: Invitae Variant Classification Sherloc (09022015). Collection method: clinical testing. Allele origin: germline.
Comment: This sequence change falls in intron 7 of the MDH2 gene. It does not directly change the encoded amino acid sequence of the MDH2 protein. It affects a nucleotide within the consensus splice site. This variant is present in population databases (rs782068450, gnomAD 0.03%). This variant has not been reported in the literature in individuals affected with MDH2-related conditions. ClinVar contains an entry for this variant (Variation ID: 1410856). Variants that disrupt the consensus splice site are a relatively common cause of aberrant splicing (PMID: 17576681, 9536098). Algorithms developed to predict the effect of sequence changes on RNA splicing suggest that this variant is not likely to affect RNA splicing. In summary, the available evidence is currently insufficient to determine the role of this variant in disease. Therefore, it has been classified as a Variant of Uncertain Significance.

Literature cited by the submitters: PubMed 17576681; PubMed 9536098.